The following is an entry in ClinVar:

NM_052988.5(CDK10):c.550_556del (p.Leu184fs)

Gene: CDK10 (cyclin dependent kinase 10; plus strand). Cytogenetic location: 16q24.3.
Variant type: Deletion.
Coding change: c.550_556del on transcript NM_052988.5 (MANE Select); coding-DNA positions 550 to 556, 7 bases deleted (CTGGCCC; older notation c.550_556delCTGGCCC).
Protein change: p.Leu184fs; shifts the reading frame from leucine 184.
Molecular consequence: frameshift variant. On other transcripts: non-coding transcript variant (2).
Genome position (GRCh38, 1-based): chr16:89,693,409-89,693,415, CTGGCCC deleted; deleting any 7 consecutive bases within chr16:89,693,408-89,693,415 gives the same sequence; the c. name uses the placement nearest the transcript's 3' end. VCF-style (leftmost placement, unchanged base first): chr16-89693407-GCCTGGCC-G. GRCh37 (hg19) VCF-style: chr16-89759815-GCCTGGCC-G.
Other names: c.337_343del, p.Leu113fs (NM_001098533.3, NM_001160367.2, NM_052987.4); short protein forms L113fs, L184fs.
Identifiers: ClinVar variation 813896 (VCV000813896.1), dbSNP rs1597864006, ClinGen allele CA658820769.

ClinVar aggregate classification (germline): Likely pathogenic (1 of 4 stars; one submission).

Conditions:
Al Kaissi syndrome. Also called: GROWTH RETARDATION, SPINE MALFORMATION, DYSMORPHIC FACIES, AND DEVELOPMENTAL DELAY. Identifiers: MedGen C4540156, MONDO:0044324, OMIM 617694.

Submission:

Broad Center for Mendelian Genomics, Broad Institute of MIT and Harvard
Classification: Likely pathogenic for Al Kaissi syndrome. Last evaluated: 2018-12-03. Review status: criteria provided, single submitter. Criteria: ACMG Guidelines, 2015. Collection method: research. Allele origin: germline. Inheritance: Autosomal recessive inheritance. Affected: yes.
Comment: The p.Leu184GlyfsTer7 variant in CDK10 has not been previously reported in individuals with Al Kaissi syndrome and was absent from large population studies. This variant is predicted to cause a frameshift, which alters the protein's amino acid sequence beginning at position 184 and leads to a premature termination codon 7 amino acids downstream. This alteration is then predicted to lead to a truncated or absent protein. A knock-out mouse model for the CDK10 gene has a phenotype that matches Al Kaissi syndrome and at least two loss of function variants across multiple exons have been reported in association with Al Kaissi syndrome in the literature (PMID: 28886341). Loss of function of the CDK10 gene is a moderately established disease mechanism in autosomal recessive Al Kaissi syndrome. In summary, although additional studies are required to fully establish its clinical significance, this variant is likely pathogenic. ACMG/AMP Criteria applied: PM2, PVS1_Strong (Richards 2015).

Literature cited by the submitters: PubMed 28886341.